The following is an entry in ClinVar:

NM_000070.3(CAPN3):c.1029+1G>A

Gene: CAPN3 (calpain 3; plus strand). Cytogenetic location: 15q15.1.
Variant type: single nucleotide variant.
Coding change: c.1029+1G>A on transcript NM_000070.3 (MANE Select); the canonical splice donor site of the intron after coding-DNA position 1029, G replaced by A.
Molecular consequence: splice donor variant.
Genome position (GRCh38, 1-based): chr15:42,392,723, G>A. VCF-style: chr15-42392723-G-A. GRCh37 (hg19) VCF-style: chr15-42684921-G-A.
Other names: c.1029+1G>A (NM_024344.2); c.885+1G>A (NM_173087.2).
Identifiers: ClinVar variation 1467802 (VCV001467802.8), dbSNP rs2141177054, ClinGen allele CA391998908.

ClinVar aggregate classification (germline): Pathogenic (1 of 4 stars; one submission).

Conditions:
Autosomal recessive limb-girdle muscular dystrophy type 2A (LGMDR1). Also called: Calpainopathy; LEYDEN-MOEBIUS MUSCULAR DYSTROPHY; MUSCULAR DYSTROPHY, PELVOFEMORAL; Limb-girdle muscular dystrophy, type 2A; Muscular dystrophy, limb-girdle, type 2A, Amish. Identifiers: Orphanet 267, MedGen C1869123, MONDO:0009675, OMIM 253600. Disease mechanism: loss of function.

Submission:

Labcorp Genetics (formerly Invitae), Labcorp
Classification: Pathogenic for Autosomal recessive limb-girdle muscular dystrophy type 2A. Last evaluated: 2022-09-01. Review status: criteria provided, single submitter. Criteria: Invitae Variant Classification Sherloc (09022015). Collection method: clinical testing. Allele origin: germline.
Comment: This variant is not present in population databases (gnomAD no frequency). This sequence change affects a donor splice site in intron 7 of the CAPN3 gene. It is expected to disrupt RNA splicing. Variants that disrupt the donor or acceptor splice site typically lead to a loss of protein function (PMID: 16199547), and loss-of-function variants in CAPN3 are known to be pathogenic (PMID: 10330340, 15689361). Disruption of this splice site has been observed in individual(s) with clinical features of autosomal recessive CAPN3-related conditions (Invitae). In at least one individual the data is consistent with being in trans (on the opposite chromosome) from a pathogenic variant. For these reasons, this variant has been classified as Pathogenic. Algorithms developed to predict the effect of sequence changes on RNA splicing suggest that this variant may disrupt the consensus splice site. ClinVar contains an entry for this variant (Variation ID: 1467802).

Literature cited by the submitters: PubMed 16199547; PubMed 10330340; PubMed 15689361.